The following is an entry in ClinVar:

NM_001039958.2(MESP2):c.373C>G (p.Leu125Val)

Genes: MESP2 (mesoderm posterior bHLH transcription factor 2; plus strand), LOC130057891 (ATAC-STARR-seq lymphoblastoid silent region 6806; plus strand). Cytogenetic location: 15q26.1.
Variant type: single nucleotide variant.
Coding change: c.373C>G on transcript NM_001039958.2 (MANE Select); coding-DNA position 373, C replaced by G.
Protein change: p.Leu125Val; replaces leucine 125 with valine.
Molecular consequence: missense variant.
Genome position (GRCh38, 1-based): chr15:89,776,730, C>G. VCF-style: chr15-89776730-C-G. GRCh37 (hg19) VCF-style: chr15-90319961-C-G.
Other names: short protein forms L125V.
Identifiers: ClinVar variation 5185 (VCV000005185.4), dbSNP rs71647806, ClinGen allele CA340358.
Genomic context (GRCh38, chr15:89,776,730, plus strand): 5'-CGCCGCTTTCTGCCTCCCTCCTTGGCGCCGGCCGGCCAGAGCCTGACCAAGATCGAGACG[C>G]TGCGCCTGGCCATCCGCTACATCGGCCACCTATCGGCCGTGCTGGGTCTCAGCGAGGAGA-3'
Protein context (NP_001035047.1, residues 115-135): AGQSLTKIET[Leu125Val]RLAIRYIGHL

ClinVar aggregate classification (germline): Uncertain significance. Review status: criteria provided, single submitter (1 of 4 stars). 3 submissions from 3 submitters: Uncertain significance (1). 2 of the submissions do not count toward it. Last evaluated 2025-05-09.

Conditions:
Spondylocostal dysostosis 2, autosomal recessive (SCDO2). Also called: MESP2-Related Spondylocostal Dysostosis, Autosomal Recessive; Spondylocostal dysostosis type 2. Identifiers: Orphanet 2311, MedGen C1837549, MONDO:0012097, OMIM 608681.

Submissions (3):

Women's Health and Genetics/Laboratory Corporation of America, LabCorp
Classification: Uncertain significance. Last evaluated: 2025-05-09. Review status: criteria provided, single submitter. Criteria: LabCorp Variant Classification Summary - May 2015. Collection method: clinical testing. Allele origin: germline.
Comment: Variant summary: MESP2 c.373C>G (p.Leu125Val) results in a conservative amino acid change in the encoded protein sequence. Algorithms developed to predict the effect of missense changes on protein structure and function are either unavailable or do not agree on the potential impact of this missense change. The frequency data for this variant in gnomAD is considered unreliable, as metrics indicate poor data quality at this position. c.373C>G has been observed in a compound heterozygous individual affected with Spondylocostal Dysostosis 2 (Cornier_2008). These data do not allow any conclusion about variant significance. At least one publication reports experimental evidence evaluating an impact on protein function; however, the data from the luciferase reporter assay does not allow convincing conclusions about the variant effect (Cornier_2008). The following publication have been ascertained in the context of this evaluation (PMID: 18485326). ClinVar contains an entry for this variant (Variation ID: 5185). Based on the evidence outlined above, the variant was classified as uncertain significance.

GeneReviews
Classification: Pathogenic for Spondylothoracic Dysostosis. Last evaluated: 2010-08-05. Review status: no assertion criteria provided. Collection method: curation. Allele origin: unknown. Not counted in ClinVar's aggregate classification.
ClinVar note: Converted during submission from pathologic to Pathogenic.

OMIM
Classification: Pathogenic for SPONDYLOCOSTAL DYSOSTOSIS 2, AUTOSOMAL RECESSIVE. Last evaluated: 2008-06-01. Review status: no assertion criteria provided. Collection method: literature only. Allele origin: germline. Not counted in ClinVar's aggregate classification.

Literature cited by the submitters: PubMed 18485326 (cited by Women's Health and Genetics/Laboratory Corporation of America, LabCorp and OMIM).